The following is an entry in ClinVar:

NM_001399.5(EDA):c.347T>A (p.Leu116Ter)

Gene: EDA (ectodysplasin A; plus strand). Cytogenetic location: Xq13.1.
Variant type: single nucleotide variant.
Coding change: c.347T>A on transcript NM_001399.5 (MANE Select); coding-DNA position 347, T replaced by A.
Protein change: p.Leu116Ter; replaces leucine 116 with a stop codon.
Molecular consequence: nonsense.
Genome position (GRCh38, 1-based): chrX:69,616,655, T>A. VCF-style: chrX-69616655-T-A. GRCh37 (hg19) VCF-style: chrX-68836499-T-A.
Other names: c.347T>A, p.Leu116Ter (NM_001005609.2, NM_001005610.4, NM_001005612.3 and 1 more transcripts); short protein forms L116*.
Identifiers: ClinVar variation 44192 (VCV000044192.4), dbSNP rs397516661, ClinGen allele CA261488.
Genomic context (GRCh38, chrX:69,616,655, plus strand): 5'-TCGACCCTGACAGCCCCATCACCAGTCACCTTGGGCAGCCGTCACCTAAGCAGCAGCCAT[T>A]GGAACCGGGAGAAGCCGCACTCCACTCTGACTCCCAGGACGGGCACCAGGTGAGTCACCT-3'

ClinVar aggregate classification (germline): Pathogenic (1 of 4 stars; one submission).

Conditions:
Hypohidrotic X-linked ectodermal dysplasia (XHED). Also called: Anhidrotic ectodermal dysplasia X-linked; Christ Siemens Touraine syndrome; ECTODERMAL DYSPLASIA 1, HYPOHIDROTIC, X-LINKED; ECTODERMAL DYSPLASIA 1, HYPOHIDROTIC/HAIR/TOOTH TYPE, X-LINKED; ECTODERMAL DYSPLASIA, HYPOHIDROTIC, 1; CST SYNDROME. Identifiers: Orphanet 181, Orphanet 238468, MedGen C0162359, MONDO:0010585, OMIM 305100.

Submission:

Laboratory for Molecular Medicine, Mass General Brigham Personalized Medicine
Classification: Pathogenic for Hypohidrotic X-linked ectodermal dysplasia. Last evaluated: 2011-09-04. Review status: criteria provided, single submitter. Criteria: LMM Criteria. Collection method: clinical testing. Allele origin: germline. Inheritance: X-linked inheritance. Observed: 1 variant allele.
Comment: The Leu116X variant has not been reported in the literature nor previously ident ified by our laboratory. The variant leads to a premature stop codon at positio n 116, which is predicted to lead to a truncated or absent protein. Therefore, t his variant meets our criteria to be classified as pathogenic.